The following is an entry in ClinVar:

NM_000124.4(ERCC6):c.3202T>A (p.Ser1068Thr)

Gene: ERCC6 (ERCC excision repair 6, chromatin remodeling factor; minus strand). Cytogenetic location: 10q11.23.
Variant type: single nucleotide variant.
Coding change: c.3202T>A on transcript NM_000124.4 (MANE Select); coding-DNA position 3202, T replaced by A.
Protein change: p.Ser1068Thr; replaces serine 1068 with threonine.
Molecular consequence: missense variant.
Genome position (GRCh38, 1-based): chr10:49,470,758, A>T on the plus strand (T>A on the coding strand, the complement: ERCC6 is on the minus strand). VCF-style: chr10-49470758-A-T. GRCh37 (hg19) VCF-style: chr10-50678804-A-T.
Other names: c.3202T>A, p.Ser1068Thr (NM_001346440.2); short protein forms S1068T.
Identifiers: ClinVar variation 2318009 (VCV002318009.3), dbSNP rs896621508, ClinGen allele CA206584880.

ClinVar aggregate classification (germline): Uncertain significance. Review status: criteria provided, multiple submitters, no conflicts (2 of 4 stars). 2 submissions from 2 submitters: Uncertain significance (2). Last evaluated 2025-09-02.

Conditions:
Inborn genetic diseases. Identifiers: MedGen C0950123, MeSH D030342.

Allele frequency attached by ClinVar (database versions not stated): gnomAD 0.00001; gnomAD exomes 0.00001; TOPMed 0.00001.
gnomAD v4.1: 11 of 1,614,018 alleles (0.00068%); highest among the groups gnomAD compares: Non-Finnish European, 0.00093%; no homozygotes.

Submissions (2):

Women's Health and Genetics/Laboratory Corporation of America, LabCorp
Classification: Uncertain significance. Last evaluated: 2025-09-02. Review status: criteria provided, single submitter. Criteria: LabCorp Variant Classification Summary - May 2015. Collection method: clinical testing. Allele origin: germline.
Comment: Variant summary: ERCC6 c.3202T>A (p.Ser1068Thr) results in a conservative amino acid change in the encoded protein sequence. Algorithms developed to predict the effect of missense changes on protein structure and function all suggest that this variant is likely to be tolerated. The variant allele was found at a frequency of 4e-06 in 251106 control chromosomes. The available data on variant occurrences in the general population are insufficient to allow any conclusion about variant significance. To our knowledge, no occurrence of c.3202T>A in individuals affected with ERCC6-related conditions and no experimental evidence demonstrating its impact on protein function have been reported. ClinVar contains an entry for this variant (Variation ID: 2318009). Based on the evidence outlined above, the variant was classified as uncertain significance.

Ambry Genetics
Classification: Uncertain significance for Inborn genetic diseases. Last evaluated: 2022-10-12. Review status: criteria provided, single submitter. Criteria: Ambry Variant Classification Scheme 2023. Collection method: clinical testing. Allele origin: germline.